The following is an entry in ClinVar:

NM_033305.3(VPS13A):c.41dup (p.Asp17fs)

Genes: VPS13A (vacuolar protein sorting 13 homolog A; plus strand), VPS13A-AS1 (VPS13A antisense RNA 1; minus strand). Cytogenetic location: 9q21.2.
Variant type: Duplication.
Coding change: c.41dup on transcript NM_033305.3 (MANE Select); coding-DNA position 41, one base duplicated (T; older notation c.41dupT).
Protein change: p.Asp17fs; shifts the reading frame from aspartic acid 17.
Molecular consequence: frameshift variant. On other transcripts: non-coding transcript variant (1).
Genome position (GRCh38, 1-based): chr9:77,177,745, T duplicated; the last of 2 consecutive T bases (chr9:77,177,744-77,177,745); duplicating either gives the same sequence. VCF-style (leftmost placement, unchanged base first): chr9-77177743-G-GT. GRCh37 (hg19) VCF-style: chr9-79792659-G-GT.
Other names: c.41dup, p.Asp17fs (NM_001018037.2, NM_001018038.3, NM_015186.4); short protein forms D17fs.
Identifiers: ClinVar variation 5012227 (VCV005012227.1).
Genomic context (GRCh38, chr9:77,177,743, plus strand): 5'-GTGCCCACCACGGCTGAGGAACATGGTTTTCGAGTCGGTGGTCGTGGACGTGTTGAACCG[G>GT]TTCTTGGGGGACTATGTGGTGGACTTGGACACGTCCCAGCTCTCTCTGGGCATCTGGAAA-3'

ClinVar aggregate classification (germline): Pathogenic (1 of 4 stars; one submission).

Conditions:
VPS13A-related neurodegenerative disease. Also called: ACANTHOCYTOSIS WITH NEUROLOGIC DISORDER; LEVINE-CRITCHLEY SYNDROME; Choreoacanthocytosis; Chorea-acanthocytosis; Choreaacanthocytosis; VPS13A Disease. Identifiers: Orphanet 2388, MedGen C0393576, MONDO:0008695, OMIM 200150.

Submission:

Myriad Genetics, Inc.
Classification: Pathogenic for VPS13A-related neurodegenerative disease. Last evaluated: 2023-09-27. Review status: criteria provided, single submitter. Criteria: Myriad Autosomal Dominant, Autosomal Recessive and X-Linked Classification Criteria (2023). Collection method: clinical testing. Allele origin: unknown.
Comment: NM_033305.2(VPS13A):c.41dupT(D17Gfs*28) is expected to be pathogenic in the context of VPS13A disease. This variant is predicted to lead to an abnormal or absent protein product due to the creation of a premature termination codon in VPS13A, a gene where loss-of-function variants are known to be pathogenic. Please note: this variant was assessed in the context of healthy population screening.